The following is an entry in ClinVar:

ClinVar aggregate classification (germline): Pathogenic/Likely pathogenic. Review status: criteria provided, multiple submitters, no conflicts (2 of 4 stars). 2 submissions from 2 submitters: Pathogenic (1); Likely pathogenic (1). Last evaluated 2022-05-04.

Conditions:
Finnish congenital nephrotic syndrome (NPHS1). Also called: NEPHROTIC SYNDROME, TYPE 1. Identifiers: Orphanet 839, MedGen C0403399, MONDO:0009732, OMIM 256300.

Submissions (2):

Myriad Genetics, Inc.
Classification: Likely pathogenic for Finnish congenital nephrotic syndrome. Last evaluated: 2022-05-04. Review status: criteria provided, single submitter. Criteria: Myriad Women's Health Autosomal Recessive and X-Linked Classification Criteria (2021). Collection method: clinical testing. Allele origin: unknown.
Comment: NM_004646.3(NPHS1):c.295G>T(E99*) is expected to be pathogenic in the context of nephrotic syndrome, NPHS1-related. This variant is predicted to lead to an abnormal or absent protein product due to the creation of a premature termination codon in NPHS1, a gene where loss-of-function variants are known to be pathogenic. Please note: this variant was assessed in the context of healthy population screening.

Labcorp Genetics (formerly Invitae), Labcorp
Classification: Pathogenic. Last evaluated: 2021-12-24. Review status: criteria provided, single submitter. Criteria: Invitae Variant Classification Sherloc (09022015). Collection method: clinical testing. Allele origin: germline.
Comment: For these reasons, this variant has been classified as Pathogenic. This variant has not been reported in the literature in individuals affected with NPHS1-related conditions. This variant is not present in population databases (gnomAD no frequency). This sequence change creates a premature translational stop signal (p.Glu99*) in the NPHS1 gene. It is expected to result in an absent or disrupted protein product. Loss-of-function variants in NPHS1 are known to be pathogenic (PMID: 11317351, 11854170, 12039988).

Literature cited by the submitters: PubMed 11317351 (cited by Labcorp Genetics (formerly Invitae), Labcorp); PubMed 11854170 (cited by Labcorp Genetics (formerly Invitae), Labcorp); PubMed 12039988 (cited by Labcorp Genetics (formerly Invitae), Labcorp).

NM_004646.4(NPHS1):c.295G>T (p.Glu99Ter)

Gene: NPHS1 (NPHS1 adhesion molecule, nephrin; minus strand). Cytogenetic location: 19q13.12.
Variant type: single nucleotide variant.
Coding change: c.295G>T on transcript NM_004646.4 (MANE Select); coding-DNA position 295, G replaced by T.
Protein change: p.Glu99Ter; replaces glutamic acid 99 with a stop codon.
Molecular consequence: nonsense.
Genome position (GRCh38, 1-based): chr19:35,851,364, C>A on the plus strand (G>T on the coding strand, the complement: NPHS1 is on the minus strand). VCF-style: chr19-35851364-C-A. GRCh37 (hg19) VCF-style: chr19-36342266-C-A.
Other names: short protein forms E99*.
Identifiers: ClinVar variation 1726021 (VCV001726021.7), dbSNP rs1006352232, ClinGen allele CA405411075.